The following is an entry in ClinVar:

NM_199355.4(ADAMTS18):c.184G>C (p.Val62Leu)

Gene: ADAMTS18 (ADAM metallopeptidase with thrombospondin type 1 motif 18; minus strand). Cytogenetic location: 16q23.1.
Variant type: single nucleotide variant.
Coding change: c.184G>C on transcript NM_199355.4 (MANE Select); coding-DNA position 184, G replaced by C.
Protein change: p.Val62Leu; replaces valine 62 with leucine.
Molecular consequence: missense variant. On other transcripts: 5 prime UTR variant (1).
Genome position (GRCh38, 1-based): chr16:77,431,606, C>G on the plus strand (G>C on the coding strand, the complement: ADAMTS18 is on the minus strand). VCF-style: chr16-77431606-C-G. GRCh37 (hg19) VCF-style: chr16-77465503-C-G.
Other names: c.-337G>C (NM_001326358.2); short protein forms V62L.
Identifiers: ClinVar variation 1999869 (VCV001999869.4), dbSNP rs113979389, ClinGen allele CA8181751.
Genomic context (GRCh38, chr16:77,431,606, plus strand): 5'-GCAAAATGTCGTGTGAAATATATGACCCGGCTGAGTCTACTTCTACTGGCGTGACAAAGA[C>G]GTAATCTGCAATGGGAAAAGTTCAGCTGTCAGCACCCAGAGCCCACAATTCCAAATGGTC-3'
Protein context (NP_955387.1, residues 52-72): SGASGLNDDY[Val62Leu]FVTPVEVDSA

ClinVar aggregate classification (germline): Uncertain significance (1 of 4 stars; one submission).

gnomAD v4.1: 19 of 1,613,920 alleles (0.0012%); highest among the groups gnomAD compares: Non-Finnish European, 0.0015%; no homozygotes.

Submission:

Labcorp Genetics (formerly Invitae), Labcorp
Classification: Uncertain significance. Last evaluated: 2023-12-11. Review status: criteria provided, single submitter. Criteria: Invitae Variant Classification Sherloc (09022015). Collection method: clinical testing. Allele origin: germline.
Comment: This sequence change replaces valine, which is neutral and non-polar, with leucine, which is neutral and non-polar, at codon 62 of the ADAMTS18 protein (p.Val62Leu). This variant is present in population databases (rs113979389, gnomAD 0.0009%). This variant has not been reported in the literature in individuals affected with ADAMTS18-related conditions. ClinVar contains an entry for this variant (Variation ID: 1999869). An algorithm developed to predict the effect of missense changes on protein structure and function (PolyPhen-2) suggests that this variant is likely to be tolerated. In summary, the available evidence is currently insufficient to determine the role of this variant in disease. Therefore, it has been classified as a Variant of Uncertain Significance.